The following is an entry in ClinVar:

NM_017802.4(DNAAF5):c.2272G>A (p.Asp758Asn)

Gene: DNAAF5 (dynein axonemal assembly factor 5; plus strand). Cytogenetic location: 7p22.3.
Variant type: single nucleotide variant.
Coding change: c.2272G>A on transcript NM_017802.4 (MANE Select); coding-DNA position 2272, G replaced by A.
Protein change: p.Asp758Asn; replaces aspartic acid 758 with asparagine.
Molecular consequence: missense variant. On other transcripts: non-coding transcript variant (1).
Genome position (GRCh38, 1-based): chr7:779,985, G>A. VCF-style: chr7-779985-G-A. GRCh37 (hg19) VCF-style: chr7-819622-G-A.
Other names: short protein forms D758N.
Identifiers: ClinVar variation 4685832 (VCV004685832.1).

ClinVar aggregate classification (germline): Uncertain significance (1 of 4 stars; one submission).

Conditions:
Primary ciliary dyskinesia 18. Also called: CILIARY DYSKINESIA, PRIMARY, 18, WITH OR WITHOUT SITUS INVERSUS. Identifiers: Orphanet 244, MedGen C3543825, MONDO:0013940, OMIM 614874.

gnomAD v4.1: 11 of 1,614,040 alleles (0.00068%); highest among the groups gnomAD compares: African/African-American, 0.0067%; no homozygotes.

Submission:

ARUP Laboratories, Molecular Genetics and Genomics, ARUP Laboratories
Classification: Uncertain significance for Primary ciliary dyskinesia 18. Last evaluated: 2025-05-20. Review status: criteria provided, single submitter. Criteria: ARUP Molecular Germline Variant Investigation Process 2024. Collection method: clinical testing. Allele origin: germline.
Comment: The DNAAF5 c.2272G>A; p.Asp758Asn variant (rs1442257044), to our knowledge, is not reported in the medical literature or gene specific databases. This variant is also absent from the Genome Aggregation Database (v2.1.1), indicating it is not a common polymorphism. Computational analyses are uncertain whether this variant is neutral or deleterious (REVEL: 0.263). Due to limited information, the clinical significance of this variant is uncertain at this time.